The following is an entry in ClinVar:

NM_001365536.1(SCN9A):c.2601T>A (p.Gly867=)

Genes: SCN1A-AS1 (SCN1A and SCN9A antisense RNA 1; plus strand), SCN9A (sodium voltage-gated channel alpha subunit 9; minus strand). Cytogenetic location: 2q24.3.
Variant type: single nucleotide variant.
Coding change: c.2601T>A on transcript NM_001365536.1 (MANE Select); coding-DNA position 2601, T replaced by A.
Protein change: p.Gly867=; no amino-acid change (glycine 867 retained).
Molecular consequence: synonymous variant.
Genome position (GRCh38, 1-based): chr2:166,277,256, A>T on the plus strand (T>A on the coding strand, the complement: SCN9A is on the minus strand). VCF-style: chr2-166277256-A-T. GRCh37 (hg19) VCF-style: chr2-167133766-A-T.
Other names: c.2568T>A, p.Gly856= (NM_002977.4).
Identifiers: ClinVar variation 706695 (VCV000706695.13), dbSNP rs199787949, ClinGen allele CA1944235.

ClinVar aggregate classification (germline): Benign/Likely benign. Review status: criteria provided, multiple submitters, no conflicts (2 of 4 stars). 3 submissions from 3 submitters: Benign (1); Likely benign (2). Last evaluated 2026-09-09.

Conditions:
SCN9A-related disorder. Also called: SCN9A-related disorders; SCN9A-related condition.
Generalized epilepsy with febrile seizures plus, type 7 (GEFSP7). Also called: GEFS+, TYPE 7. Identifiers: Orphanet 36387, MedGen C2751778, MONDO:0013470, OMIM 613863.
Neuropathy, hereditary sensory and autonomic, type 2A (HSAN2A). Also called: HSAN IIA; WNK1-Related HSAN2 (HSAN2A); MORVAN DISEASE; NEUROPATHY, CONGENITAL SENSORY; NEUROPATHY, HEREDITARY SENSORY RADICULAR, AUTOSOMAL RECESSIVE; NEUROPATHY, HEREDITARY SENSORY, TYPE IIA. Identifiers: Orphanet 970, MedGen C2752089, MONDO:0024309, OMIM 201300.

Allele frequency attached by ClinVar (database versions not stated): gnomAD below 0.00001 and 0.00006; TOPMed 0.00002; gnomAD exomes 0.00011 and 0.00019; ExAC 0.00020; 1000 Genomes Project 0.00060; 1000 Genomes Project 30x 0.00062.
gnomAD v4.1: 165 of 1,614,098 alleles (0.01%); highest among the groups gnomAD compares: South Asian, 0.18%; no homozygotes.

Submissions (3):

PreventionGenetics, part of Exact Sciences
Classification: Likely benign for SCN9A-related condition. Last evaluated: 2026-09-09. Review status: criteria provided, single submitter. Criteria: ACMG Guidelines, 2015. Collection method: clinical testing. Allele origin: germline.
Comment: This variant is classified as likely benign based on ACMG/AMP sequence variant interpretation guidelines (Richards et al. 2015 PMID: 25741868, with internal and published modifications).

Labcorp Genetics (formerly Invitae), Labcorp
Classification: Benign for Neuropathy, hereditary sensory and autonomic, type 2A; Generalized epilepsy with febrile seizures plus, type 7. Last evaluated: 2025-06-29. Review status: criteria provided, single submitter. Criteria: Invitae Variant Classification Sherloc (09022015). Collection method: clinical testing. Allele origin: germline.

Blueprint Genetics
Classification: Likely benign. Last evaluated: 2024-07-02. Review status: criteria provided, single submitter. Criteria: ACMG Guidelines, 2015. Collection method: clinical testing. Allele origin: germline.